The following is an entry in ClinVar:

NC_000006.11:g.(?_64776221)_(64791905_?)dup

Gene: EYS (eyes shut homolog; minus strand). Cytogenetic location: 6q12.
Variant type: Duplication.
Identifiers: ClinVar variation 2423861 (VCV002423861.4).

ClinVar aggregate classification (germline): Likely pathogenic (1 of 4 stars; one submission).

Submission:

Labcorp Genetics (formerly Invitae), Labcorp
Classification: Likely pathogenic. Last evaluated: 2021-12-10. Review status: criteria provided, single submitter. Criteria: Invitae Variant Classification Sherloc (09022015). Collection method: clinical testing. Allele origin: germline.
Comment: This variant has not been reported in the literature in individuals affected with EYS-related conditions. This variant results in a copy number gain of the genomic region encompassing exon(s) 32-33 of the EYS gene. While the exact position of this variant cannot be determined from the data, sub-genic copy number gains are generally in tandem (PMID: 25640679). This variant is predicted to be out-of-frame, and may result in an absent or disrupted protein product. Loss-of-function variants in EYS are known to be pathogenic (PMID: 18836446, 20333770). In summary, the currently available evidence indicates that the variant is pathogenic, but additional data are needed to prove that conclusively. Therefore, this variant has been classified as Likely Pathogenic.

Literature cited by the submitters: PubMed 25640679; PubMed 18836446; PubMed 20333770.